The following is an entry in ClinVar:

NM_001365536.1(SCN9A):c.5949C>G (p.Ser1983Arg)

Genes: SCN1A-AS1 (SCN1A and SCN9A antisense RNA 1; plus strand), SCN9A (sodium voltage-gated channel alpha subunit 9; minus strand). Cytogenetic location: 2q24.3.
Variant type: single nucleotide variant.
Coding change: c.5949C>G on transcript NM_001365536.1 (MANE Select); coding-DNA position 5949, C replaced by G.
Protein change: p.Ser1983Arg; replaces serine 1983 with arginine.
Molecular consequence: missense variant.
Genome position (GRCh38, 1-based): chr2:166,198,690, G>C on the plus strand (C>G on the coding strand, the complement: SCN9A is on the minus strand). VCF-style: chr2-166198690-G-C. GRCh37 (hg19) VCF-style: chr2-167055200-G-C.
Other names: c.5916C>G, p.Ser1972Arg (NM_002977.4); short protein forms S1972R, S1983R.
Identifiers: ClinVar variation 246381 (VCV000246381.19), dbSNP rs201640210, ClinGen allele CA1943593.

ClinVar aggregate classification (germline): Conflicting classifications of pathogenicity. Review status: criteria provided, conflicting classifications (1 of 4 stars). 4 submissions from 4 submitters: Uncertain significance (3); Likely benign (1). Last evaluated 2026-01-10.

Conditions:
SCN9A-related disorder. Also called: SCN9A-related disorders; SCN9A-related condition.
Generalized epilepsy with febrile seizures plus, type 7 (GEFSP7). Also called: GEFS+, TYPE 7. Identifiers: Orphanet 36387, MedGen C2751778, MONDO:0013470, OMIM 613863.
Neuropathy, hereditary sensory and autonomic, type 2A (HSAN2A). Also called: ACROOSTEOLYSIS, GIACCAI TYPE; ACROOSTEOLYSIS, NEUROGENIC; MORVAN DISEASE; NEUROPATHY, CONGENITAL SENSORY; NEUROPATHY, HEREDITARY SENSORY RADICULAR, AUTOSOMAL RECESSIVE; NEUROPATHY, HEREDITARY SENSORY, TYPE IIA. Identifiers: Orphanet 970, MedGen C2752089, MONDO:0024309, OMIM 201300.

Allele frequency attached by ClinVar (database versions not stated): ExAC 0.00019; TOPMed 0.00031; ESP Exome Variant Server 0.00033.
gnomAD v4.1: 90 of 1,593,706 alleles (0.0056%); highest among the groups gnomAD compares: African/African-American, 0.096%; 2 homozygotes.

Submissions (4):

Labcorp Genetics (formerly Invitae), Labcorp
Classification: Likely benign for Neuropathy, hereditary sensory and autonomic, type 2A; Generalized epilepsy with febrile seizures plus, type 7. Last evaluated: 2026-01-10. Review status: criteria provided, single submitter. Criteria: Invitae Variant Classification Sherloc (09022015). Collection method: clinical testing. Allele origin: germline.

PreventionGenetics, part of Exact Sciences
Classification: Uncertain significance for SCN9A-related condition. Last evaluated: 2025-12-22. Review status: criteria provided, single submitter. Criteria: ACMG Guidelines, 2015. Collection method: clinical testing. Allele origin: germline.
Comment: The SCN9A c.5916C>G variant is predicted to result in the amino acid substitution p.Ser1972Arg. To our knowledge, this variant has not been reported in the literature. This variant is reported in 0.10% of alleles in individuals of African descent in gnomAD. Although we suspect that this variant may be benign, at this time, the clinical significance of this variant is uncertain due to the absence of conclusive functional and genetic evidence.

GeneDx
Classification: Uncertain significance. Last evaluated: 2020-07-29. Review status: criteria provided, single submitter. Criteria: GeneDx Variant Classification Process June 2021. Collection method: clinical testing. Allele origin: germline. Affected: yes.
Comment: In silico analysis supports that this missense variant does not alter protein structure/function; Has not been previously published as pathogenic or benign to our knowledge

Eurofins Ntd Llc (ga)
Classification: Uncertain significance. Last evaluated: 2017-07-28. Review status: criteria provided, single submitter. Criteria: EGL Classification Definitions 2015. Collection method: clinical testing. Allele origin: germline. Observed: 1 variant allele, 1 heterozygote.